The following is an entry in ClinVar:

NM_001042492.3(NF1):c.3198-3dup

Gene: NF1 (neurofibromin 1; plus strand). Cytogenetic location: 17q11.2.
Variant type: Duplication.
Coding change: c.3198-3dup on transcript NM_001042492.3 (MANE Select); 3 bases into the intron before coding-DNA position 3198, one base duplicated (C; older notation c.3198-3dupC).
Molecular consequence: intron variant.
Genome position (GRCh38, 1-based): chr17:31,232,070, C duplicated. VCF-style (leftmost placement, unchanged base first): chr17-31232069-T-TC. GRCh37 (hg19) VCF-style: chr17-29559087-T-TC.
Other names: c.3198-3dupC (NM_000267.3, NM_001042492.2); c.3198-3dup (NM_000267.4).
Identifiers: ClinVar variation 220995 (VCV000220995.16), dbSNP rs1555614816, ClinGen allele CA350216.

ClinVar aggregate classification (germline): Benign/Likely benign. Review status: criteria provided, multiple submitters, no conflicts (2 of 4 stars). 4 submissions from 4 submitters: Benign (1); Likely benign (2). 1 of the submissions does not count toward it. Last evaluated 2026-02-03.

Conditions:
NF1-related disorder. Also called: NF1-related condition. Identifiers: MedGen CN379171.
Hereditary cancer-predisposing syndrome. Also called: Tumor predisposition; Hereditary neoplastic syndrome; Neoplastic Syndromes, Hereditary; Hereditary Cancer Syndrome. Identifiers: Orphanet 140162, MedGen C0027672, MeSH D009386, MONDO:0015356.
Cardiovascular phenotype. Identifiers: MedGen CN230736.
Neurofibromatosis, type 1 (NF1). Also called: Peripheral type neurofibromatosis; NEUROFIBROMATOSIS, TYPE I, SOMATIC; Neurofibromatosis, type I; VON RECKLINGHAUSEN DISEASE. Identifiers: Orphanet 636, MedGen C0027831, MONDO:0018975, OMIM 162200. Disease mechanism: loss of function.

Allele frequency attached by ClinVar (database versions not stated): gnomAD exomes 0.00002; gnomAD 0.00063; ExAC 0.00072.

Submissions (4):

Labcorp Genetics (formerly Invitae), Labcorp
Classification: Benign for Neurofibromatosis, type 1. Last evaluated: 2026-02-03. Review status: criteria provided, single submitter. Criteria: Invitae Variant Classification Sherloc (09022015). Collection method: clinical testing. Allele origin: germline.

Institute for Biomarker Research, Medical Diagnostic Laboratories, L.L.C.
Classification: Likely benign for Hereditary cancer-predisposing syndrome. Last evaluated: 2025-10-14. Review status: criteria provided, single submitter. Criteria: ACMG Guidelines, 2015. Collection method: clinical testing. Allele origin: germline.
Comment: The splice region variant NM_000267.3(NF1):c.3198-3dupC has been reported to ClinVar as Benign/Likely benign with a status of (2 stars) criteria provided, multiple submitters, no conflicts (Variation ID 220995 as of 2025-10-02). Although the variant is present at 0.0058% in gnomAD, it has the flag "RF" and may not represent the true population frequency. The c.3198-3dupC variant is not predicted to disrupt the existing acceptor splice site 1bp upstream by any splice site algorithm. For these reasons, this variant has been classified as Likely Benign.

Ambry Genetics
Classification: Likely benign for Cardiovascular phenotype; Hereditary cancer-predisposing syndrome. Last evaluated: 2021-11-24. Review status: criteria provided, single submitter. Criteria: Ambry Variant Classification Scheme 2023. Collection method: clinical testing. Allele origin: germline.

PreventionGenetics, part of Exact Sciences
Classification: Likely benign for NF1-related condition. Last evaluated: 2023-01-08. Review status: no assertion criteria provided. Collection method: clinical testing. Allele origin: germline. Not counted in ClinVar's aggregate classification.
Comment: This variant is classified as likely benign based on ACMG/AMP sequence variant interpretation guidelines (Richards et al. 2015 PMID: 25741868, with internal and published modifications).